The following is an entry in ClinVar:

ClinVar aggregate classification (germline): Benign/Likely benign. Review status: criteria provided, multiple submitters, no conflicts (2 of 4 stars). 4 submissions from 4 submitters: Benign (1); Likely benign (3). Last evaluated 2025-06-03.

Allele frequency attached by ClinVar (database versions not stated): ExAC 0.00041; gnomAD 0.00140 and 0.00150; TOPMed 0.00167; ESP Exome Variant Server 0.00169; 1000 Genomes Project 0.00180; 1000 Genomes Project 30x 0.00203.
gnomAD v4.1: 354 of 1,614,130 alleles (0.022%); highest among the groups gnomAD compares: African/African-American, 0.45%; 4 homozygotes.

Submissions (4):

Labcorp Genetics (formerly Invitae), Labcorp
Classification: Benign. Last evaluated: 2025-06-03. Review status: criteria provided, single submitter. Criteria: Invitae Variant Classification Sherloc (09022015). Collection method: clinical testing. Allele origin: germline.

Blueprint Genetics
Classification: Likely benign. Last evaluated: 2024-07-09. Review status: criteria provided, single submitter. Criteria: ACMG Guidelines, 2015. Collection method: clinical testing. Allele origin: germline.

CeGaT Center for Human Genetics Tuebingen
Classification: Likely benign. Last evaluated: 2023-04-01. Review status: criteria provided, single submitter. Criteria: CeGaT Center For Human Genetics Tuebingen Variant Classification Criteria Version 2. Collection method: clinical testing. Allele origin: germline. Affected: yes. Observed: 1 variant allele.
Comment: CENPF: BP4, BP7

GeneDx
Classification: Likely benign. Last evaluated: 2021-04-19. Review status: criteria provided, single submitter. Criteria: GeneDx Variant Classification Process June 2021. Collection method: clinical testing. Allele origin: germline. Affected: yes.

NM_016343.4(CENPF):c.1257C>G (p.Ala419=)

Gene: CENPF (centromere protein F; plus strand). Cytogenetic location: 1q41.
Variant type: single nucleotide variant.
Coding change: c.1257C>G on transcript NM_016343.4 (MANE Select); coding-DNA position 1257, C replaced by G.
Protein change: p.Ala419=; no amino-acid change (alanine 419 retained).
Molecular consequence: synonymous variant.
Genome position (GRCh38, 1-based): chr1:214,630,596, C>G. VCF-style: chr1-214630596-C-G. GRCh37 (hg19) VCF-style: chr1-214803939-C-G.
Identifiers: ClinVar variation 775664 (VCV000775664.35), dbSNP rs149792761, ClinGen allele CA1389986.